The following is an entry in ClinVar:

NM_000257.4(MYH7):c.5434C>G (p.Leu1812Val)

Gene: MYH7 (myosin heavy chain 7; minus strand). Cytogenetic location: 14q11.2.
Variant type: single nucleotide variant.
Coding change: c.5434C>G on transcript NM_000257.4 (MANE Select); coding-DNA position 5434, C replaced by G.
Protein change: p.Leu1812Val; replaces leucine 1812 with valine.
Molecular consequence: missense variant.
Genome position (GRCh38, 1-based): chr14:23,415,120, G>C on the plus strand (C>G on the coding strand, the complement: MYH7 is on the minus strand). VCF-style: chr14-23415120-G-C. GRCh37 (hg19) VCF-style: chr14-23884329-G-C.
Other names: short protein forms L1812V.
Identifiers: ClinVar variation 1332241 (VCV001332241.3), dbSNP rs2138638313, ClinGen allele CA389035406.

ClinVar aggregate classification (germline): Uncertain significance (1 of 4 stars; one submission).

Conditions:
Cardiomyopathy (CMYO). Also called: Cardiomyopathies. Identifiers: Orphanet 167848, MedGen C0878544, MONDO:0004994, HP:0001638. Inheritance: Various modes of inheritance.

Submission:

Color Diagnostics, LLC DBA Color Health
Classification: Uncertain significance for Cardiomyopathy. Last evaluated: 2024-03-07. Review status: criteria provided, single submitter. Criteria: ACMG Guidelines, 2015. Collection method: clinical testing. Allele origin: germline.
Comment: This missense variant replaces leucine with valine at codon 1812 of the MYH7 protein. Computational prediction suggests that this variant may not impact protein structure and function (internally defined REVEL score threshold <= 0.5, PMID: 27666373). To our knowledge, functional studies have not been reported for this variant. This variant has not been reported in individuals affected with cardiovascular disorders in the literature. This variant has not been identified in the general population by the Genome Aggregation Database (gnomAD). The available evidence is insufficient to determine the role of this variant in disease conclusively. Therefore, this variant is classified as a Variant of Uncertain Significance.